The following is an entry in ClinVar:

NM_031471.6(FERMT3):c.1030-3T>C

Gene: FERMT3 (FERM domain containing kindlin 3; plus strand). Cytogenetic location: 11q13.1.
Variant type: single nucleotide variant.
Coding change: c.1030-3T>C on transcript NM_031471.6 (MANE Select); 3 bases into the intron before coding-DNA position 1030, T replaced by C.
Molecular consequence: intron variant.
Genome position (GRCh38, 1-based): chr11:64,219,737, T>C. VCF-style: chr11-64219737-T-C. GRCh37 (hg19) VCF-style: chr11-63987209-T-C.
Other names: c.1030-3T>C (NM_001382448.1, NM_178443.3, NM_001382362.1 and 1 more transcripts); c.490-3T>C (NM_001382364.1, NM_001382363.1).
Identifiers: ClinVar variation 967969 (VCV000967969.5), dbSNP rs772852769, ClinGen allele CA6068998.

ClinVar aggregate classification (germline): Uncertain significance (1 of 4 stars; one submission).

Conditions:
Leukocyte adhesion deficiency 3. Also called: Leukocyte adhesion deficiency, type III; INTEGRIN ACTIVATION DEFICIENCY DISEASE; LEUKOCYTE ADHESION DEFICIENCY 1 VARIANT. Identifiers: Orphanet 2968, Orphanet 99844, MedGen C2748536, MONDO:0013016, OMIM 612840.

Allele frequency attached by ClinVar (database versions not stated): ExAC 0.00002; gnomAD exomes 0.00003; TOPMed 0.00003; gnomAD 0.00004 and 0.00005.
gnomAD v4.1: 57 of 1,613,528 alleles (0.0035%); highest among the groups gnomAD compares: Non-Finnish European, 0.0045%; no homozygotes.

Submission:

Labcorp Genetics (formerly Invitae), Labcorp
Classification: Uncertain significance for Leukocyte adhesion deficiency 3. Last evaluated: 2022-10-24. Review status: criteria provided, single submitter. Criteria: Invitae Variant Classification Sherloc (09022015). Collection method: clinical testing. Allele origin: germline.
Comment: This sequence change falls in intron 8 of the FERMT3 gene. It does not directly change the encoded amino acid sequence of the FERMT3 protein. It affects a nucleotide within the consensus splice site. This variant is present in population databases (rs772852769, gnomAD 0.009%). This variant has not been reported in the literature in individuals affected with FERMT3-related conditions. ClinVar contains an entry for this variant (Variation ID: 967969). Variants that disrupt the consensus splice site are a relatively common cause of aberrant splicing (PMID: 17576681, 9536098). Algorithms developed to predict the effect of sequence changes on RNA splicing suggest that this variant is not likely to affect RNA splicing. In summary, the available evidence is currently insufficient to determine the role of this variant in disease. Therefore, it has been classified as a Variant of Uncertain Significance.

Literature cited by the submitters: PubMed 17576681; PubMed 9536098.